The following is an entry in ClinVar:

NM_006231.4(POLE):c.1224C>G (p.Leu408=)

Gene: POLE (DNA polymerase epsilon, catalytic subunit; minus strand). Cytogenetic location: 12q24.33.
Variant type: single nucleotide variant.
Coding change: c.1224C>G on transcript NM_006231.4 (MANE Select); coding-DNA position 1224, C replaced by G.
Protein change: p.Leu408=; no amino-acid change (leucine 408 retained).
Molecular consequence: synonymous variant.
Genome position (GRCh38, 1-based): chr12:132,675,400, G>C on the plus strand (C>G on the coding strand, the complement: POLE is on the minus strand). VCF-style: chr12-132675400-G-C. GRCh37 (hg19) VCF-style: chr12-133251986-G-C.
Identifiers: ClinVar variation 1146774 (VCV001146774.13), dbSNP rs748536025, ClinGen allele CA482849569.

ClinVar aggregate classification (germline): Benign/Likely benign. Review status: criteria provided, multiple submitters, no conflicts (2 of 4 stars). 3 submissions from 3 submitters: Benign (1); Likely benign (2). Last evaluated 2025-09-23.

Conditions:
Hereditary cancer-predisposing syndrome. Also called: Hereditary neoplastic syndrome; Neoplastic Syndromes, Hereditary; Tumor predisposition; Hereditary Cancer Syndrome. Identifiers: Orphanet 140162, MedGen C0027672, MeSH D009386, MONDO:0015356.
Colorectal cancer, susceptibility to, 12 (CRCS12). Also called: COLORECTAL CANCER, SUSCEPTIBILITY TO, ON CHROMOSOME 12q24. Identifiers: Orphanet 220460, MedGen C3554460, MONDO:0014038, OMIM 615083.

gnomAD v4.1: 1 of 1,614,018 alleles (0.000062%); highest among the groups gnomAD compares: Non-Finnish European, 0.000085%; no homozygotes.

Submissions (3):

Labcorp Genetics (formerly Invitae), Labcorp
Classification: Likely benign. Last evaluated: 2025-09-23. Review status: criteria provided, single submitter. Criteria: Invitae Variant Classification Sherloc (09022015). Collection method: clinical testing. Allele origin: germline.

Myriad Genetics, Inc.
Classification: Benign for Colorectal cancer, susceptibility to, 12. Last evaluated: 2025-02-10. Review status: criteria provided, single submitter. Criteria: Myriad Autosomal Dominant, Autosomal Recessive and X-Linked Classification Criteria (2023). Collection method: clinical testing. Allele origin: unknown.
Comment: This variant is considered benign. This variant is a silent/synonymous amino acid change and it is not expected to impact splicing.

Ambry Genetics
Classification: Likely benign for Hereditary cancer-predisposing syndrome. Last evaluated: 2022-08-17. Review status: criteria provided, single submitter. Criteria: Ambry Variant Classification Scheme 2023. Collection method: clinical testing. Allele origin: germline.